The following is an entry in ClinVar:

NM_000702.4(ATP1A2):c.1148G>A (p.Arg383His)

Gene: ATP1A2 (ATPase Na+/K+ transporting subunit alpha 2; plus strand). Cytogenetic location: 1q23.2.
Variant type: single nucleotide variant.
Coding change: c.1148G>A on transcript NM_000702.4 (MANE Select); coding-DNA position 1148, G replaced by A.
Protein change: p.Arg383His; replaces arginine 383 with histidine.
Molecular consequence: missense variant.
Genome position (GRCh38, 1-based): chr1:160,128,782, G>A. VCF-style: chr1-160128782-G-A. GRCh37 (hg19) VCF-style: chr1-160098572-G-A.
Other names: p.R383H:CGC>CAC; short protein forms R383H.
Identifiers: ClinVar variation 204886 (VCV000204886.5), dbSNP rs765909830, ClinGen allele CA313277.

ClinVar aggregate classification (germline): Pathogenic/Likely pathogenic. Review status: criteria provided, multiple submitters, no conflicts (2 of 4 stars). 3 submissions from 3 submitters: Pathogenic (1); Likely pathogenic (2). Last evaluated 2024-02-07.

Conditions:
Familial hemiplegic migraine. Identifiers: MedGen C0338484, MONDO:0000700.
Alternating hemiplegia of childhood 1 (AHC1). Identifiers: Orphanet 2131, MedGen C3549447, MONDO:0007087, OMIM 104290.

Allele frequency attached by ClinVar (database versions not stated): gnomAD exomes below 0.00001; ExAC 0.00001; gnomAD 0.00001; TOPMed 0.00001.
gnomAD v4.1: 3 of 1,614,042 alleles (0.00019%); highest among the groups gnomAD compares: Non-Finnish European, 0.00017%; no homozygotes.

Submissions (3):

Labcorp Genetics (formerly Invitae), Labcorp
Classification: Likely pathogenic for Familial hemiplegic migraine. Last evaluated: 2024-02-07. Review status: criteria provided, single submitter. Criteria: Invitae Variant Classification Sherloc (09022015). Collection method: clinical testing. Allele origin: germline.
Comment: This sequence change replaces arginine, which is basic and polar, with histidine, which is basic and polar, at codon 383 of the ATP1A2 protein (p.Arg383His). This variant is present in population databases (rs765909830, gnomAD 0.03%). This missense change has been observed in individuals with ATP1A2-related conditions and/or hemiplegic migraine (PMID: 15159495, 29486580, 29655203). ClinVar contains an entry for this variant (Variation ID: 204886). Advanced modeling of protein sequence and biophysical properties (such as structural, functional, and spatial information, amino acid conservation, physicochemical variation, residue mobility, and thermodynamic stability) has been performed at Invitae for this missense variant, however the output from this modeling did not meet the statistical confidence thresholds required to predict the impact of this variant on ATP1A2 protein function. Experimental studies have shown that this missense change affects ATP1A2 function (PMID: 18728015). In summary, the currently available evidence indicates that the variant is pathogenic, but additional data are needed to prove that conclusively. Therefore, this variant has been classified as Likely Pathogenic.

Mendelics
Classification: Pathogenic for Alternating hemiplegia of childhood 1. Last evaluated: 2022-05-04. Review status: criteria provided, single submitter. Criteria: Mendelics Assertion Criteria 2019. Collection method: clinical testing. Allele origin: germline.

GeneDx
Classification: Likely pathogenic. Last evaluated: 2017-03-16. Review status: criteria provided, single submitter. Criteria: GeneDx Variant Classification (06012015). Collection method: clinical testing. Allele origin: germline. Affected: yes.
Comment: p.Arg383His (CGC>CAC): c.1148 G>A in exon 9 of the ATP1A2 gene (NM_000702.3). The R383H variant was previously identified in an individual with sporadic hemiplegic migraine; however, parental studies were not performed (Jurkat-Rott et al., 2004). Functional studies suggested that the R383H variant reduces the conformational flexibility of the ATP1A2 protein, resulting in a decrease in enzyme turnover (Tavraz et al., 2008). It was not observed in approximately 6,500 individuals of European and African American ancestry in the NHLBI Exome Sequencing Project, indicating it is not a common benign variant in these populations. The R383H variant is a conservative amino acid substitution, which is not likely to impact secondary protein structure as these residues share similar properties. However, this substitution alters a highly conserved position in the cytoplasmic loop between the nucleotide-binding and phosphorylation domains of the ATP1A2 protein (Tavraz et al., 2008), and missense mutations in nearby residues (T376M, T378N) have been reported in association with hemiplegic migraine, supporting the functional importance of this region of the protein. Additionally, in silico analysis predicts this variant is probably damaging to the protein structure/function. Therefore, this variant is a strong candidate for a pathogenic mutation, however the possibility that it is a benign variant cannot be excluded. The variant is found in EPILEPSY panel(s).

Literature cited by the submitters: PubMed 15159495 (cited by Labcorp Genetics (formerly Invitae), Labcorp); PubMed 29486580 (cited by Labcorp Genetics (formerly Invitae), Labcorp); PubMed 29655203 (cited by Labcorp Genetics (formerly Invitae), Labcorp); PubMed 18728015 (cited by Labcorp Genetics (formerly Invitae), Labcorp).